The following is an entry in ClinVar:

NM_001371279.1(REEP1):c.*2859T>G

Gene: REEP1 (receptor accessory protein 1; minus strand). Cytogenetic location: 2p11.2.
Variant type: single nucleotide variant.
Coding change: c.*2859T>G on transcript NM_001371279.1 (MANE Select); 2859 bases downstream of the stop codon, T replaced by G.
Molecular consequence: 3 prime UTR variant.
Genome position (GRCh38, 1-based): chr2:86,214,180, A>C on the plus strand (T>G on the coding strand, the complement: REEP1 is on the minus strand). VCF-style: chr2-86214180-A-C. GRCh37 (hg19) VCF-style: chr2-86441303-A-C.
Other names: c.*2920T>G (NM_001164730.2, NM_001164731.2, NM_022912.3); c.*2859T>G (NM_001164732.2, NM_001371280.1).
Identifiers: ClinVar variation 337344 (VCV000337344.8), dbSNP rs708600, ClinGen allele CA10614573.

ClinVar aggregate classification (germline): Benign. Review status: criteria provided, multiple submitters, no conflicts (2 of 4 stars). 3 submissions from 3 submitters: Benign (3). Last evaluated 2018-06-29.

Conditions:
Hereditary spastic paraplegia 31. Also called: SPASTIC PARAPLEGIA 31, AUTOSOMAL DOMINANT. Identifiers: Orphanet 101011, MedGen C1853247, MONDO:0012453, OMIM 610250.

Allele frequency attached by ClinVar (database versions not stated): gnomAD 0.30772 and 0.31997; TOPMed 0.32184; 1000 Genomes Project 30x 0.36571; 1000 Genomes Project 0.37360; gnomAD exomes 0.43147.
gnomAD v4.1: 49,383 of 153,594 alleles (32%); highest among the groups gnomAD compares: East Asian, 59%; 9,577 homozygotes.

Submissions (3):

GeneDx
Classification: Benign. Last evaluated: 2018-06-29. Review status: criteria provided, single submitter. Criteria: GeneDx Variant Classification Process June 2021. Collection method: clinical testing. Allele origin: germline. Affected: yes.

Illumina Laboratory Services, Illumina
Classification: Benign for Hereditary spastic paraplegia 31. Last evaluated: 2017-04-27. Review status: criteria provided, single submitter. Criteria: ICSL Variant Classification Criteria 13 December 2019. Collection method: clinical testing. Allele origin: germline.
Comment: This variant was observed as part of a predisposition screen in an ostensibly healthy population. A literature search was performed for the gene, cDNA change, and amino acid change (where applicable). No publications were found based on this search. Allele frequency data from public databases was too high to be consistent with this variant causing disease. Therefore, this variant is classified as benign.

Breakthrough Genomics
Classification: Benign. Review status: criteria provided, single submitter. Criteria: ACMG Guidelines, 2015. Collection method: not provided. Allele origin: germline. Inheritance: Autosomal recessive inheritance. Affected: yes.